The following is an entry in ClinVar:

NM_002439.5(MSH3):c.1597G>T (p.Glu533Ter)

Gene: MSH3 (mutS homolog 3; plus strand). Cytogenetic location: 5q14.1.
Variant type: single nucleotide variant.
Coding change: c.1597G>T on transcript NM_002439.5 (MANE Select); coding-DNA position 1597, G replaced by T.
Protein change: p.Glu533Ter; replaces glutamic acid 533 with a stop codon.
Molecular consequence: nonsense.
Genome position (GRCh38, 1-based): chr5:80,741,492, G>T. VCF-style: chr5-80741492-G-T. GRCh37 (hg19) VCF-style: chr5-80037311-G-T.
Other names: short protein forms E533*.
Identifiers: ClinVar variation 1073913 (VCV001073913.7), dbSNP rs1321121530, ClinGen allele CA360274477.

ClinVar aggregate classification (germline): Pathogenic (1 of 4 stars; one submission).

Allele frequency attached by ClinVar (database versions not stated): TOPMed below 0.00001; gnomAD 0.00001.
gnomAD v4.1: 1 of 1,606,238 alleles (0.000062%); highest among the groups gnomAD compares: Non-Finnish European, 0.000085%; no homozygotes.

Submission:

Labcorp Genetics (formerly Invitae), Labcorp
Classification: Pathogenic. Last evaluated: 2022-01-26. Review status: criteria provided, single submitter. Criteria: Invitae Variant Classification Sherloc (09022015). Collection method: clinical testing. Allele origin: germline.
Comment: For these reasons, this variant has been classified as Pathogenic. Algorithms developed to predict the effect of sequence changes on RNA splicing suggest that this variant may create or strengthen a splice site. ClinVar contains an entry for this variant (Variation ID: 1073913). This variant has not been reported in the literature in individuals affected with MSH3-related conditions. This variant is not present in population databases (gnomAD no frequency). This sequence change creates a premature translational stop signal (p.Glu533*) in the MSH3 gene. It is expected to result in an absent or disrupted protein product. Loss-of-function variants in MSH3 are known to be pathogenic (PMID: 27476653).

Literature cited by the submitters: PubMed 27476653.